The following is an entry in ClinVar:

NM_001365951.3(KIF1B):c.3323_3324delinsCA (p.Gly1108Ala)

Gene: KIF1B (kinesin family member 1B; plus strand). Cytogenetic location: 1p36.22.
Variant type: Indel.
Coding change: c.3323_3324delinsCA on transcript NM_001365951.3 (MANE Select); coding-DNA positions 3323 to 3324, GC replaced by CA.
Protein change: p.Gly1108Ala; replaces glycine 1108 with alanine.
Molecular consequence: missense variant.
Genome position (GRCh38, 1-based): chr1:10,337,434-10,337,435, GC replaced by CA. VCF-style: chr1-10337434-GC-CA. GRCh37 (hg19) VCF-style: chr1-10397492-GC-CA.
Other names: c.3323_3324delinsCA, p.Gly1108Ala (NM_001365952.1); c.3185_3186delinsCA, p.Gly1062Ala (NM_015074.3); short protein forms G1062A, G1108A.
Identifiers: ClinVar variation 2698896 (VCV002698896.3), dbSNP rs2521721795, ClinGen allele CA2697552168.

ClinVar aggregate classification (germline): Uncertain significance (1 of 4 stars; one submission).

Conditions:
Charcot-Marie-Tooth disease type 2. Also called: Charcot-Marie-Tooth type 2. Identifiers: Orphanet 64746, MedGen C0270914, MONDO:0018993.

Submission:

Labcorp Genetics (formerly Invitae), Labcorp
Classification: Uncertain significance for Charcot-Marie-Tooth disease type 2. Last evaluated: 2023-11-25. Review status: criteria provided, single submitter. Criteria: Invitae Variant Classification Sherloc (09022015). Collection method: clinical testing. Allele origin: germline.
Comment: This sequence change replaces glycine, which is neutral and non-polar, with alanine, which is neutral and non-polar, at codon 1062 of the KIF1B protein (p.Gly1062Ala). Information on the frequency of this variant in the gnomAD database is not available, as this variant may be reported differently in the database. This variant has not been reported in the literature in individuals affected with KIF1B-related conditions. An algorithm developed to predict the effect of missense changes on protein structure and function (PolyPhen-2) suggests that this variant is likely to be tolerated. In summary, the available evidence is currently insufficient to determine the role of this variant in disease. Therefore, it has been classified as a Variant of Uncertain Significance.